The following is an entry in ClinVar:

NM_001040108.2(MLH3):c.3700G>A (p.Glu1234Lys)

Gene: MLH3 (mutL homolog 3; minus strand). Cytogenetic location: 14q24.3.
Variant type: single nucleotide variant.
Coding change: c.3700G>A on transcript NM_001040108.2 (MANE Select); coding-DNA position 3700, G replaced by A.
Protein change: p.Glu1234Lys; replaces glutamic acid 1234 with lysine.
Molecular consequence: missense variant. On other transcripts: intron variant (1).
Genome position (GRCh38, 1-based): chr14:75,033,434, C>T on the plus strand (G>A on the coding strand, the complement: MLH3 is on the minus strand). VCF-style: chr14-75033434-C-T. GRCh37 (hg19) VCF-style: chr14-75500137-C-T.
Other names: c.3644-1255G>A (NM_014381.3); short protein forms E1234K.
Identifiers: ClinVar variation 478039 (VCV000478039.12), dbSNP rs1343728238, ClinGen allele CA390425284.

ClinVar aggregate classification (germline): Uncertain significance. Review status: criteria provided, multiple submitters, no conflicts (2 of 4 stars). 2 submissions from 2 submitters: Uncertain significance (2). Last evaluated 2024-05-08.

Conditions:
Colorectal cancer, hereditary nonpolyposis, type 7. Identifiers: Orphanet 144, MedGen C1858380, MONDO:0013725, OMIM 614385.

Allele frequency attached by ClinVar (database versions not stated): gnomAD 0.00001; TOPMed below 0.00001.

Submissions (2):

Ambry Genetics
Classification: Uncertain significance. Last evaluated: 2024-05-08. Review status: criteria provided, single submitter. Criteria: Ambry Variant Classification Scheme 2023. Collection method: clinical testing. Allele origin: germline.
Comment: The p.E1234K variant (also known as c.3700G>A), located in coding exon 6 of the MLH3 gene, results from a G to A substitution at nucleotide position 3700. The glutamic acid at codon 1234 is replaced by lysine, an amino acid with similar properties. This amino acid position is conserved. In addition, this alteration is predicted to be deleterious by in silico analysis. Since supporting evidence is limited at this time, the clinical significance of this alteration remains unclear.

Labcorp Genetics (formerly Invitae), Labcorp
Classification: Uncertain significance for Colorectal cancer, hereditary nonpolyposis, type 7. Last evaluated: 2017-07-20. Review status: criteria provided, single submitter. Criteria: Invitae Variant Classification Sherloc (09022015). Collection method: clinical testing. Allele origin: germline.
Comment: In summary, the available evidence is currently insufficient to determine the role of this variant in disease. Therefore, it has been classified as a Variant of Uncertain Significance. Algorithms developed to predict the effect of missense changes on protein structure and function (SIFT, PolyPhen-2, Align-GVGD) all suggest that this variant is likely to be disruptive, but these predictions have not been confirmed by published functional studies and their clinical significance is uncertain. This variant has not been reported in the literature in individuals with MLH3-related disease. This variant is not present in population databases (ExAC no frequency). This sequence change replaces glutamic acid with lysine at codon 1234 of the MLH3 protein (p.Glu1234Lys). The glutamic acid residue is highly conserved and there is a small physicochemical difference between glutamic acid and lysine.